The following is an entry in ClinVar:

NM_006493.4(CLN5):c.968_976delinsG (p.Leu323_Asn326delinsTer)

Gene: CLN5 (CLN5 lysosomal BMP synthase; plus strand). Cytogenetic location: 13q22.3.
Variant type: Indel.
Coding change: c.968_976delinsG on transcript NM_006493.4 (MANE Select); coding-DNA positions 968 to 976, TGTTTTATA replaced by G.
Protein change: p.Leu323_Asn326delinsTer.
Molecular consequence: nonsense. On other transcripts: 3 prime UTR variant (1).
Genome position (GRCh38, 1-based): chr13:77,000,860-77,000,868, TGTTTTATA replaced by G. VCF-style: chr13-77000860-TGTTTTATA-G. GRCh37 (hg19) VCF-style: chr13-77574995-TGTTTTATA-G.
Other names: c.*417_*425delinsG (NM_001366624.2).
Identifiers: ClinVar variation 5004797 (VCV005004797.1).

ClinVar aggregate classification (germline): Pathogenic (1 of 4 stars; one submission).

Conditions:
Neuronal ceroid lipofuscinosis 5 (CLN5). Also called: CEROID LIPOFUSCINOSIS, NEURONAL, 5, VARIABLE AGE AT ONSET; Neuronal ceroid lipofuscinosis Finnish variant; NEURONAL CEROID LIPOFUSCINOSIS, LATE INFANTILE, FINNISH VARIANT; CLN5-Related Neuronal Ceroid-Lipofuscinosis. Identifiers: Orphanet 168491, Orphanet 228360, MedGen C1850442, MONDO:0009745, OMIM 256731.

Submission:

Myriad Genetics, Inc.
Classification: Pathogenic for Neuronal ceroid lipofuscinosis 5. Last evaluated: 2026-07-21. Review status: criteria provided, single submitter. Criteria: Myriad Autosomal Dominant, Autosomal Recessive and X-Linked Classification Criteria (2023). Collection method: clinical testing. Allele origin: unknown.
Comment: NM_006493.2(CLN5):c.1115_1123del9ins1(L372*) is a nonsense variant classified as pathogenic in the context of CLN5-related neuronal ceroid lipofuscinosis. L372* has not been observed in cases with relevant disease. Relevant functional assessments of this variant are not available in the literature. L372* has not been observed in referenced population frequency databases. In summary, NM_006493.2(CLN5):c.1115_1123del9ins1(L372*) is a nonsense variant in a gene where loss of function is a known mechanism of disease and is predicted to disrupt protein function. Please note: this variant was assessed in the context of healthy population screening.